The following is an entry in ClinVar:

ClinVar aggregate classification (germline): Uncertain significance (1 of 4 stars; one submission).

Conditions:
Glycogen storage disease, type II (IOPD). Also called: CARDIOMEGALIA GLYCOGENICA DIFFUSA; POMPE DISEASE, INFANTILE-ONSET; GLYCOGEN STORAGE DISEASE II, INFANTILE-ONSET; ACID ALPHA-GLUCOSIDASE DEFICIENCY, INFANTILE-ONSET; GAA DEFICIENCY, INFANTILE-ONSET; ACID MALTASE DEFICIENCY, INFANTILE-ONSET. Identifiers: Orphanet 365, MedGen C0017921, MONDO:0009290, OMIM 232300.

Submission:

Labcorp Genetics (formerly Invitae), Labcorp
Classification: Uncertain significance for Glycogen storage disease, type II. Last evaluated: 2024-10-28. Review status: criteria provided, single submitter. Criteria: Invitae Variant Classification Sherloc (09022015). Collection method: clinical testing. Allele origin: germline.
Comment: This sequence change replaces alanine, which is neutral and non-polar, with threonine, which is neutral and polar, at codon 426 of the GAA protein (p.Ala426Thr). This variant is not present in population databases (gnomAD no frequency). This variant has not been reported in the literature in individuals affected with GAA-related conditions. ClinVar contains an entry for this variant (Variation ID: 1388042). Invitae Evidence Modeling of protein sequence and biophysical properties (such as structural, functional, and spatial information, amino acid conservation, physicochemical variation, residue mobility, and thermodynamic stability) has been performed for this missense variant. However, the output from this modeling did not meet the statistical confidence thresholds required to predict the impact of this variant on GAA protein function. In summary, the available evidence is currently insufficient to determine the role of this variant in disease. Therefore, it has been classified as a Variant of Uncertain Significance.

NM_000152.5(GAA):c.1276G>A (p.Ala426Thr)

Gene: GAA (alpha glucosidase; plus strand). Cytogenetic location: 17q25.3.
Variant type: single nucleotide variant.
Coding change: c.1276G>A on transcript NM_000152.5 (MANE Select); coding-DNA position 1276, G replaced by A.
Protein change: p.Ala426Thr; replaces alanine 426 with threonine.
Molecular consequence: missense variant.
Genome position (GRCh38, 1-based): chr17:80,108,778, G>A. VCF-style: chr17-80108778-G-A. GRCh37 (hg19) VCF-style: chr17-78082577-G-A.
Other names: c.1276G>A, p.Ala426Thr (NM_001079803.3, NM_001079804.3); short protein forms A426T.
Identifiers: ClinVar variation 1388042 (VCV001388042.6), dbSNP rs2143857881, ClinGen allele CA401365331.